The following is an entry in ClinVar:

ClinVar aggregate classification (germline): Uncertain significance (1 of 4 stars; one submission).

Conditions:
Developmental and epileptic encephalopathy, 8 (DEE8). Also called: HYPEREKPLEXIA AND EPILEPSY. Identifiers: Orphanet 163985, Orphanet 2076, MedGen C1845102, MONDO:0010375, OMIM 300607.

Submission:

Labcorp Genetics (formerly Invitae), Labcorp
Classification: Uncertain significance for Developmental and epileptic encephalopathy, 8. Last evaluated: 2023-11-27. Review status: criteria provided, single submitter. Criteria: Invitae Variant Classification Sherloc (09022015). Collection method: clinical testing. Allele origin: unknown.
Comment: This variant results in a copy number gain of the genomic region encompassing exon(s) 8-10 of the ARHGEF9 gene. This region includes the termination codon of the gene. This copy number gain extends beyond the assayed region for this gene and therefore may encompass additional genes. As the precise location of this event is unknown, it may be in tandem or it may be located elsewhere in the genome. This variant has not been reported in the literature in individuals affected with ARHGEF9-related conditions. In summary, the available evidence is currently insufficient to determine the role of this variant in disease. Therefore, it has been classified as a Variant of Uncertain Significance.

NC_000023.10:g.(?_62857908)_(62875637_?)dup

Gene: ARHGEF9 (Cdc42 guanine nucleotide exchange factor 9; minus strand). Cytogenetic location: Xq11.1.
Variant type: Duplication.
Identifiers: ClinVar variation 3244629 (VCV003244629.1).